The following is an entry in ClinVar:

ClinVar aggregate classification (germline): Likely benign. Review status: reviewed by expert panel (3 of 4 stars). 2 submissions from 2 submitters: Likely benign (1). 1 of the submissions does not count toward it. Last evaluated 2026-02-04.

Conditions:
Open-angle glaucoma. Identifiers: MedGen C0017612, MONDO:0005338, HP:0012108.

Allele frequency attached by ClinVar (database versions not stated): TOPMed 0.00008; ESP Exome Variant Server 0.00023; gnomAD 0.00027 and 0.00030; gnomAD exomes 0.00029 and 0.00045; ExAC 0.00040.
gnomAD v4.1: 457 of 1,614,080 alleles (0.028%); highest among the groups gnomAD compares: Non-Finnish European, 0.022%; 1 homozygote.

Submissions (2):

ClinGen Glaucoma Variant Curation Expert Panel
Classification: Likely benign for Open-angle glaucoma. Last evaluated: 2026-02-04. Review status: reviewed by expert panel. Criteria: ClinGen Glaucoma ACMG Specifications V2.0.0 Approved. Collection method: curation. Allele origin: germline. Inheritance: Autosomal dominant inheritance.
Comment: The c.1317C>T variant in MYOC is a synonymous variant (p.Val439=). The highest minor allele frequency of this variant was in the European (Finnish) genetic ancestry group of gnomAD (v4.1.0) = 0.002842, which met the ≥ 0.001 threshold set for BS1 (182 alleles out of 64,034, meeting the threshold of ≥ 5 of at least 2,000 observed alleles). The SpliceAI score = 0.01, which met the ≤ 0.1 threshold for BP4, suggesting that the variant does not impact MYOC function. This synonymous variant meets BP4, so BP7 is met. There was no functional evidence predicting a damaging or benign impact of this variant on MYOC function. As PM2_Supporting was not met PS4 did not apply. Additionally, this variant has not yet been identified in a proband with juvenile or primary open angle glaucoma, only in an individual with exfoliation glaucoma. In summary, this variant met the criteria to receive a score of -6 and to be classified as likely benign (likely benign classification range -2 to -6, adapted from PMID: 32720330) for primary open angle glaucoma based on the ACMG/AMP criteria met, as specified by the ClinGen Glaucoma VCEP (v2.0.0, 5 Dec 2024): BS1, BP4, BP7

Labcorp Genetics (formerly Invitae), Labcorp
Classification: Benign. Last evaluated: 2025-07-03. Review status: criteria provided, single submitter. Criteria: Invitae Variant Classification Sherloc (09022015). Collection method: clinical testing. Allele origin: germline. Not counted in ClinVar's aggregate classification.

NM_000261.2(MYOC):c.1317C>T (p.Val439=)

Gene: MYOC (myocilin; minus strand). Cytogenetic location: 1q24.3.
Variant type: single nucleotide variant.
Coding change: c.1317C>T on transcript NM_000261.2 (MANE Select); coding-DNA position 1317, C replaced by T.
Protein change: p.Val439=; no amino-acid change (valine 439 retained).
Molecular consequence: synonymous variant.
Genome position (GRCh38, 1-based): chr1:171,636,123, G>A on the plus strand (C>T on the coding strand, the complement: MYOC is on the minus strand). VCF-style: chr1-171636123-G-A. GRCh37 (hg19) VCF-style: chr1-171605263-G-A.
Other names: NM_000261.2(MYOC):c.1317C>T; p.Val439=.
Identifiers: ClinVar variation 806281 (VCV000806281.24), dbSNP rs2234928, ClinGen allele CA1244042.